The following is an entry in ClinVar:

ClinVar aggregate classification (germline): Benign. Review status: criteria provided, multiple submitters, no conflicts (2 of 4 stars). 2 submissions from 2 submitters: Benign (2). Last evaluated 2016-03-28.

Allele frequency attached by ClinVar (database versions not stated): gnomAD 0.00138; gnomAD exomes 0.00155; ExAC 0.00817.

Submissions (2):

Laboratory for Molecular Medicine, Mass General Brigham Personalized Medicine
Classification: Benign. Last evaluated: 2016-03-28. Review status: criteria provided, single submitter. Criteria: LMM Criteria. Collection method: clinical testing. Allele origin: germline.
Comment: Variant identified in a genome or exome case(s) and assessed due to predicted null impact of the variant or pathogenic assertions in the literature or databases. Disclaimer: This variant has not undergone full assessment. The following are preliminary notes: Frequency

Breakthrough Genomics
Classification: Benign. Review status: criteria provided, single submitter. Criteria: ACMG Guidelines, 2015. Collection method: not provided. Allele origin: germline. Inheritance: Unknown mechanism. Affected: yes.

NM_001144950.2(SSC5D):c.3930C>T (p.Thr1310=)

Gene: SSC5D (scavenger receptor cysteine rich family member with 5 domains; plus strand). Cytogenetic location: 19q13.42.
Variant type: single nucleotide variant.
Coding change: c.3930C>T on transcript NM_001144950.2 (MANE Select); coding-DNA position 3930, C replaced by T.
Protein change: p.Thr1310=; no amino-acid change (threonine 1310 retained).
Molecular consequence: synonymous variant.
Genome position (GRCh38, 1-based): chr19:55,518,206, C>T. VCF-style: chr19-55518206-C-T. GRCh37 (hg19) VCF-style: chr19-56029573-C-T.
Identifiers: ClinVar variation 403488 (VCV000403488.5), dbSNP rs754825722, ClinGen allele CA9676777.